The following is an entry in ClinVar:

NM_004958.4(MTOR):c.7094C>T (p.Ala2365Val)

Gene: MTOR (mechanistic target of rapamycin kinase; minus strand). Cytogenetic location: 1p36.22.
Variant type: single nucleotide variant.
Coding change: c.7094C>T on transcript NM_004958.4 (MANE Select); coding-DNA position 7094, C replaced by T.
Protein change: p.Ala2365Val; replaces alanine 2365 with valine.
Molecular consequence: missense variant.
Genome position (GRCh38, 1-based): chr1:11,114,883, G>A on the plus strand (C>T on the coding strand, the complement: MTOR is on the minus strand). VCF-style: chr1-11114883-G-A. GRCh37 (hg19) VCF-style: chr1-11174940-G-A.
Other names: c.7094C>T, p.Ala2365Val (NM_001386500.1); c.5846C>T, p.Ala1949Val (NM_001386501.1); short protein forms A2365V, A1949V.
Identifiers: ClinVar variation 3633469 (VCV003633469.2).
Genomic context (GRCh38, chr1:11,114,883, plus strand): 5'-TTGGTCAACATTCTTGTTAGTCTAAATGGAATCTTCTCTGGAAACTTCTCTCGGGTCATA[G>A]CAACCTACAGAATAATAAATGGGAAAAGCCAAATCAATGTTTATTTTCTTTACCTGGAGC-3'
Protein context (NP_004949.1, residues 2355-2375): HIDFGDCFEV[Ala2365Val]MTREKFPEKI

ClinVar aggregate classification (germline): Uncertain significance (1 of 4 stars; one submission).

Submission:

Labcorp Genetics (formerly Invitae), Labcorp
Classification: Uncertain significance. Last evaluated: 2024-06-04. Review status: criteria provided, single submitter. Criteria: Invitae Variant Classification Sherloc (09022015). Collection method: clinical testing. Allele origin: germline.
Comment: This sequence change replaces alanine, which is neutral and non-polar, with valine, which is neutral and non-polar, at codon 2365 of the MTOR protein (p.Ala2365Val). This variant is not present in population databases (gnomAD no frequency). This variant has not been reported in the literature in individuals affected with MTOR-related conditions. Advanced modeling of protein sequence and biophysical properties (such as structural, functional, and spatial information, amino acid conservation, physicochemical variation, residue mobility, and thermodynamic stability) has been performed at Invitae for this missense variant, however the output from this modeling did not meet the statistical confidence thresholds required to predict the impact of this variant on MTOR protein function. In summary, the available evidence is currently insufficient to determine the role of this variant in disease. Therefore, it has been classified as a Variant of Uncertain Significance.